The following is an entry in ClinVar:

NM_000368.5(TSC1):c.219G>A (p.Leu73=)

Gene: TSC1 (TSC complex subunit 1; minus strand). Cytogenetic location: 9q34.13.
Variant type: single nucleotide variant.
Coding change: c.219G>A on transcript NM_000368.5 (MANE Select); coding-DNA position 219, G replaced by A.
Protein change: p.Leu73=; no amino-acid change (leucine 73 retained).
Molecular consequence: synonymous variant. On other transcripts: 5 prime UTR variant (1), intron variant (1).
Genome position (GRCh38, 1-based): chr9:132,925,731, C>T on the plus strand (G>A on the coding strand, the complement: TSC1 is on the minus strand). VCF-style: chr9-132925731-C-T. GRCh37 (hg19) VCF-style: chr9-135801118-C-T.
Other names: c.219G>A, p.Leu73= (NM_001162426.2); c.-145G>A (NM_001362177.2); c.210+1470G>A (NM_001162427.2).
Identifiers: ClinVar variation 743795 (VCV000743795.9), dbSNP rs1588355863, ClinGen allele CA467594234.

ClinVar aggregate classification (germline): Conflicting classifications of pathogenicity. Review status: criteria provided, conflicting classifications (1 of 4 stars). 2 submissions from 2 submitters: Uncertain significance (1); Likely benign (1). Last evaluated 2026-01-26.

Conditions:
Tuberous sclerosis syndrome (TSC). Also called: Tuberous sclerosis; Tuberous Sclerosis Complex. Identifiers: Orphanet 805, MedGen C0041341, MONDO:0001734.
Tuberous sclerosis 1 (TSC1). Identifiers: Orphanet 805, MedGen C1854465, MONDO:0008612, OMIM 191100.

Submissions (2):

Labcorp Genetics (formerly Invitae), Labcorp
Classification: Likely benign for Tuberous sclerosis 1. Last evaluated: 2026-01-26. Review status: criteria provided, single submitter. Criteria: Invitae Variant Classification Sherloc (09022015). Collection method: clinical testing. Allele origin: germline.

Color Diagnostics, LLC DBA Color Health
Classification: Uncertain significance for Tuberous sclerosis syndrome. Last evaluated: 2025-06-30. Review status: criteria provided, single submitter. Criteria: ACMG Guidelines, 2015. Collection method: clinical testing. Allele origin: germline.
Comment: This variant is located in the TSC1 protein. To our knowledge, functional studies have not been reported for this variant. This variant has not been reported in individuals affected with TSC1-related disorders in the literature. This variant has not been identified in the general population by the Genome Aggregation Database (gnomAD). The available evidence is insufficient to determine the role of this variant in disease conclusively. Therefore, this variant is classified as a Variant of Uncertain Significance.